The following is an entry in ClinVar:

ClinVar aggregate classification (germline): Likely benign. Review status: criteria provided, multiple submitters, no conflicts (2 of 4 stars). 5 submissions from 5 submitters: Likely benign (4). 1 of the submissions does not count toward it. Last evaluated 2026-07-01.

Conditions:
Kabuki syndrome. Also called: NIIKAWA-KUROKI SYNDROME; Kabuki make-up syndrome. Identifiers: Orphanet 2322, MedGen C0796004, MONDO:0016512.
KMT2D-related disorder. Also called: KMT2D-Related Disorders.

Allele frequency attached by ClinVar (database versions not stated): gnomAD 0.00011 and 0.00013; gnomAD exomes 0.00017; ExAC 0.00020; ESP Exome Variant Server 0.00061; 1000 Genomes Project 0.00839.
gnomAD v4.1: 182 of 1,606,970 alleles (0.011%); highest among the groups gnomAD compares: South Asian, 0.064%; no homozygotes.

Submissions (5):

CeGaT Center for Human Genetics Tuebingen
Classification: Likely benign. Last evaluated: 2026-07-01. Review status: criteria provided, single submitter. Criteria: CeGaT Center For Human Genetics Tuebingen Variant Classification Criteria Version 2. Collection method: clinical testing. Allele origin: germline. Affected: yes. Observed: 3 variant alleles.
Comment: KMT2D: BP4, BP7

Labcorp Genetics (formerly Invitae), Labcorp
Classification: Likely benign for Kabuki syndrome. Last evaluated: 2026-01-27. Review status: criteria provided, single submitter. Criteria: Invitae Variant Classification Sherloc (09022015). Collection method: clinical testing. Allele origin: germline.

Blueprint Genetics
Classification: Likely benign. Last evaluated: 2024-03-05. Review status: criteria provided, single submitter. Criteria: ACMG Guidelines, 2015. Collection method: clinical testing. Allele origin: germline.

GeneDx
Classification: Likely benign. Last evaluated: 2020-01-12. Review status: criteria provided, single submitter. Criteria: GeneDx Variant Classification Process June 2021. Collection method: clinical testing. Allele origin: germline. Affected: yes.

PreventionGenetics, part of Exact Sciences
Classification: Likely benign for KMT2D-related condition. Last evaluated: 2020-10-15. Review status: no assertion criteria provided. Collection method: clinical testing. Allele origin: germline. Not counted in ClinVar's aggregate classification.
Comment: This variant is classified as likely benign based on ACMG/AMP sequence variant interpretation guidelines (Richards et al. 2015 PMID: 25741868, with internal and published modifications).

NM_003482.4(KMT2D):c.2250G>A (p.Pro750=)

Gene: KMT2D (lysine methyltransferase 2D; minus strand). Cytogenetic location: 12q13.12.
Variant type: single nucleotide variant.
Coding change: c.2250G>A on transcript NM_003482.4 (MANE Select); coding-DNA position 2250, G replaced by A.
Protein change: p.Pro750=; no amino-acid change (proline 750 retained).
Molecular consequence: synonymous variant.
Genome position (GRCh38, 1-based): chr12:49,051,433, C>T on the plus strand (G>A on the coding strand, the complement: KMT2D is on the minus strand). VCF-style: chr12-49051433-C-T. GRCh37 (hg19) VCF-style: chr12-49445216-C-T.
Identifiers: ClinVar variation 767321 (VCV000767321.20), dbSNP rs180809568, ClinGen allele CA6548305.